The following is an entry in ClinVar:

NM_001010892.3(RSPH4A):c.1879A>C (p.Asn627His)

Gene: RSPH4A (radial spoke head component 4A; plus strand). Cytogenetic location: 6q22.1.
Variant type: single nucleotide variant.
Coding change: c.1879A>C on transcript NM_001010892.3 (MANE Select); coding-DNA position 1879, A replaced by C.
Protein change: p.Asn627His; replaces asparagine 627 with histidine.
Molecular consequence: missense variant. On other transcripts: synonymous variant (1).
Genome position (GRCh38, 1-based): chr6:116,630,515, A>C. VCF-style: chr6-116630515-A-C. GRCh37 (hg19) VCF-style: chr6-116951678-A-C.
Other names: c.1743A>C, p.Pro581= (NM_001161664.2); short protein forms N627H.
Identifiers: ClinVar variation 165062 (VCV000165062.27), dbSNP rs9488991, ClinGen allele CA177730.
Genomic context (GRCh38, chr6:116,630,515, plus strand): 5'-TGGACAACACGGTTATCCTCAAATCTCATTCCACAATATGCTATTGCAGTCCTTCAATCC[A>C]ACCTTTGGCCTGGAGCATATGCCTTCTCCAATGGCAAGTAAGTATCTGACCACTTACAAA-3'
Protein context (NP_001010892.1, residues 617-637): PQYAIAVLQS[Asn627His]LWPGAYAFSN

ClinVar aggregate classification (germline): Benign/Likely benign. Review status: criteria provided, multiple submitters, no conflicts (2 of 4 stars). 8 submissions from 8 submitters: Benign (7); Likely benign (1). Last evaluated 2026-02-04.

Conditions:
Primary ciliary dyskinesia. Also called: Ciliary dyskinesia. Identifiers: Orphanet 244, MedGen C0008780, MONDO:0016575, HP:0012265.
Primary ciliary dyskinesia 11. Also called: CILIARY DYSKINESIA, PRIMARY, 11, WITHOUT SITUS INVERSUS. Identifiers: Orphanet 244, MedGen C2675229, MONDO:0012978, OMIM 612649.

Allele frequency attached by ClinVar (database versions not stated): gnomAD exomes 0.06171 and 0.09254; ExAC 0.09006; ESP Exome Variant Server 0.11126; gnomAD 0.11409 and 0.11561; 1000 Genomes Project 30x 0.14507; TOPMed 0.13101; 1000 Genomes Project 0.13538.
gnomAD v4.1: 107,543 of 1,606,826 alleles (6.7%); highest among the groups gnomAD compares: African/African-American, 25%; 6,293 homozygotes.

Submissions (8):

Labcorp Genetics (formerly Invitae), Labcorp
Classification: Benign for Primary ciliary dyskinesia. Last evaluated: 2026-02-04. Review status: criteria provided, single submitter. Criteria: Invitae Variant Classification Sherloc (09022015). Collection method: clinical testing. Allele origin: germline.

Blueprint Genetics
Classification: Likely benign. Last evaluated: 2024-11-26. Review status: criteria provided, single submitter. Criteria: ACMG Guidelines, 2015. Collection method: clinical testing. Allele origin: germline.

Mayo Clinic Laboratories, Mayo Clinic
Classification: Benign. Last evaluated: 2022-04-26. Review status: criteria provided, single submitter. Criteria: ACMG Guidelines, 2015. Collection method: clinical testing. Allele origin: germline. Observed: 31 variant alleles.

GeneDx
Classification: Benign. Last evaluated: 2019-02-25. Review status: criteria provided, single submitter. Criteria: GeneDx Variant Classification Process June 2021. Collection method: clinical testing. Allele origin: germline. Affected: yes.

Illumina Laboratory Services, Illumina
Classification: Benign for Primary ciliary dyskinesia 11. Last evaluated: 2018-01-13. Review status: criteria provided, single submitter. Criteria: ICSL Variant Classification Criteria 13 December 2019. Collection method: clinical testing. Allele origin: germline.
Comment: This variant was observed in the ICSL laboratory as part of a predisposition screen in an ostensibly healthy population. It had not been previously curated by ICSL or reported in the Human Gene Mutation Database (HGMD: prior to June 1st, 2018), and was therefore a candidate for classification through an automated scoring system. Utilizing variant allele frequency, disease prevalence and penetrance estimates, and inheritance mode, an automated score was calculated to assess if this variant is too frequent to cause the disease. Based on the score and internal cut-off values, a variant classified as benign is not then subjected to further curation. The score for this variant resulted in a classification of benign for this disease.

Ambry Genetics
Classification: Benign for Primary ciliary dyskinesia. Last evaluated: 2014-12-24. Review status: criteria provided, single submitter. Criteria: Ambry Variant Classification Scheme 2023. Collection method: clinical testing. Allele origin: germline.

Laboratory for Molecular Medicine, Mass General Brigham Personalized Medicine
Classification: Benign. Last evaluated: 2013-02-21. Review status: criteria provided, single submitter. Criteria: LMM Criteria. Collection method: clinical testing. Allele origin: germline. Observed: 17 variant alleles.
Comment: Asn627His in exon 5 of RSPH4A: This variant is not expected to have clinical sig nificance because it has been identified in 22.7% (999/4406) of African American chromosomes from a broad population by the NHLBI Exome Sequencing Project (dbSNP rs9488991).

PreventionGenetics, part of Exact Sciences
Classification: Benign. Review status: criteria provided, single submitter. Criteria: ACMG Guidelines, 2015. Collection method: clinical testing. Allele origin: germline.